The following is an entry in ClinVar:

ClinVar aggregate classification (germline): Conflicting classifications of pathogenicity. Review status: criteria provided, conflicting classifications (1 of 4 stars). 2 submissions from 2 submitters: Uncertain significance (1); Likely benign (1). Last evaluated 2025-07-07.

Conditions:
Melanoma, cutaneous malignant, susceptibility to, 5. Also called: Cutaneous malignant melanoma 5. Identifiers: Orphanet 618, MedGen C2751295, MONDO:0013133, OMIM 613099.

Allele frequency attached by ClinVar (database versions not stated): TOPMed 0.00002; gnomAD exomes 0.00002; ExAC 0.00007.

Submissions (2):

Labcorp Genetics (formerly Invitae), Labcorp
Classification: Uncertain significance for Melanoma, cutaneous malignant, susceptibility to, 5. Last evaluated: 2025-07-07. Review status: criteria provided, single submitter. Criteria: Invitae Variant Classification Sherloc (09022015). Collection method: clinical testing. Allele origin: germline.
Comment: This sequence change replaces arginine, which is basic and polar, with glutamine, which is neutral and polar, at codon 109 of the MC1R protein (p.Arg109Gln). This variant is present in population databases (rs760458744, gnomAD 0.006%). This variant has not been reported in the literature in individuals affected with MC1R-related conditions. ClinVar contains an entry for this variant (Variation ID: 887937). Invitae Evidence Modeling of protein sequence and biophysical properties (such as structural, functional, and spatial information, amino acid conservation, physicochemical variation, residue mobility, and thermodynamic stability) indicates that this missense variant is not expected to disrupt MC1R protein function with a negative predictive value of 80%. In summary, the available evidence is currently insufficient to determine the role of this variant in disease. Therefore, it has been classified as a Variant of Uncertain Significance.

Illumina Laboratory Services, Illumina
Classification: Likely benign for Melanoma, cutaneous malignant, susceptibility to, 5. Last evaluated: 2018-01-13. Review status: criteria provided, single submitter. Criteria: ICSL Variant Classification Criteria 13 December 2019. Collection method: clinical testing. Allele origin: germline.
Comment: This variant was observed in the ICSL laboratory as part of a predisposition screen in an ostensibly healthy population. It had not been previously curated by ICSL or reported in the Human Gene Mutation Database (HGMD: prior to June 1st, 2018), and was therefore a candidate for classification through an automated scoring system. Utilizing variant allele frequency, disease prevalence and penetrance estimates, and inheritance mode, an automated score was calculated to assess if this variant is too frequent to cause the disease. Based on the score and internal cut-off values, a variant classified as likely benign is not then subjected to further curation. The score for this variant resulted in a classification of likely benign for this disease.

NM_002386.4(MC1R):c.326G>A (p.Arg109Gln)

Gene: MC1R (melanocortin 1 receptor; plus strand). Cytogenetic location: 16q24.3.
Variant type: single nucleotide variant.
Coding change: c.326G>A on transcript NM_002386.4 (MANE Select); coding-DNA position 326, G replaced by A.
Protein change: p.Arg109Gln; replaces arginine 109 with glutamine.
Molecular consequence: missense variant.
Genome position (GRCh38, 1-based): chr16:89,919,584, G>A. VCF-style: chr16-89919584-G-A. GRCh37 (hg19) VCF-style: chr16-89985992-G-A.
Other names: short protein forms R109Q.
Identifiers: ClinVar variation 887937 (VCV000887937.8), dbSNP rs760458744, ClinGen allele CA8255559.
Genomic context (GRCh38, chr16:89,919,584, plus strand): 5'-GGAGCAACGTGCTGGAGACGGCCGTCATCCTCCTGCTGGAGGCCGGTGCACTGGTGGCCC[G>A]GGCTGCGGTGCTGCAGCAGCTGGACAATGTCATTGACGTGATCACCTGCAGCTCCATGCT-3'
Protein context (NP_002377.4, residues 99-119): LLLEAGALVA[Arg109Gln]AAVLQQLDNV